The following is an entry in ClinVar:

NM_014795.4(ZEB2):c.3002del (p.Cys1001fs)

Gene: ZEB2 (zinc finger E-box binding homeobox 2; minus strand). Cytogenetic location: 2q22.3.
Variant type: Deletion.
Coding change: c.3002del on transcript NM_014795.4 (MANE Select); coding-DNA position 3002, one base deleted (G; older notation c.3002delG).
Protein change: p.Cys1001fs; shifts the reading frame from cysteine 1001.
Molecular consequence: frameshift variant.
Genome position (GRCh38, 1-based): chr2:144,396,477, C deleted on the plus strand (G on the coding strand, the reverse complement: ZEB2 is on the minus strand). VCF-style (leftmost placement, unchanged base first): chr2-144396476-AC-A. GRCh37 (hg19) VCF-style: chr2-145154043-AC-A.
Other names: c.2930del, p.Cys977fs (NM_001171653.2); short protein forms C1001fs, C977fs.
Identifiers: ClinVar variation 181755 (VCV000181755.1), dbSNP rs730881212, ClinGen allele CA297632.

ClinVar aggregate classification (germline): Pathogenic (1 of 4 stars; one submission).

Conditions:
Mowat-Wilson syndrome (MOWS). Also called: Classic Mowat-Wilson Syndrome. Identifiers: Orphanet 2152, MedGen C1856113, MONDO:0009341, OMIM 235730.

Submission:

GeneDx
Classification: Pathogenic for Mowat-Wilson Syndrome: Autosomal dominant inheritence. Last evaluated: 2013-01-04. Review status: criteria provided, single submitter. Criteria: GeneDx Variant Classification (06012015). Collection method: clinical testing. Allele origin: germline. Affected: yes.
Comment: This mutation is denoted c.3002delG at the cDNA level and p.Cys1001LeufsX74 (C1001LfsX74) at the protein level; it is in exon 9 of the ZEB2 gene (NM_014795.2). The normal sequence with the base that is deleted in braces is: TGCAT{delG}TGACT. The c.3002delG mutation in the ZEB2 gene causes a frameshift starting with codon Cysteine 1001, changes this amino acid to a Leucine residue and creates a premature Stop codon at position 74 of the new reading frame, denoted p.Cys1001LeufsX74. This mutation is predicted to cause loss of normal protein function through protein truncation. Although this mutation has not been previously reported to our knowledge, many other frameshift mutations have been reported in the ZEB2 gene. Therefore, the presence of c.3002delG is consistent with the diagnosis of Mowat-Wilson syndrome, an autosomal dominant disorder. The variant is found in CHILD-EPI panel(s).